The following is an entry in ClinVar:

NM_206933.4(USH2A):c.3967del (p.Thr1322_Met1323insTer)

Genes: USH2A (usherin; minus strand), USH2A-AS1 (USH2A antisense RNA 1; plus strand). Cytogenetic location: 1q41.
Variant type: Deletion.
Coding change: c.3967del on transcript NM_206933.4 (MANE Select); coding-DNA position 3967, one base deleted (A; older notation c.3967delA).
Protein change: p.Thr1322_Met1323insTer.
Molecular consequence: nonsense.
Genome position (GRCh38, 1-based): chr1:216,198,429, T deleted on the plus strand (A on the coding strand, the reverse complement: USH2A is on the minus strand); the first of 2 consecutive T bases (chr1:216,198,429-216,198,430); deleting either gives the same sequence. VCF-style (leftmost placement, unchanged base first): chr1-216198428-AT-A. GRCh37 (hg19) VCF-style: chr1-216371770-AT-A.
Other names: c.3967del, p.Thr1322_Met1323insTer (NM_007123.6).
Identifiers: ClinVar variation 143181 (VCV000143181.2), dbSNP rs527236136, ClinGen allele CA270156.

ClinVar aggregate classification (germline): Likely pathogenic (0 of 4 stars; one submission).

Conditions:
Usher syndrome type 2A. Also called: RETINAL DISEASE IN USHER SYNDROME TYPE IIA, MODIFIER OF; USHER SYNDROME, TYPE IIA. Identifiers: Orphanet 231178, Orphanet 886, MedGen C1848634, MONDO:0010169, OMIM 276901.

Submission:

Department of Ophthalmology and Visual Sciences Kyoto University
Classification: Likely pathogenic for Usher syndrome, type 2A. Review status: no assertion criteria provided. Collection method: not provided. Allele origin: unknown.
ClinVar note: Converted during submission from probable-pathogenic to Likely pathogenic.